The following is an entry in ClinVar:

ClinVar aggregate classification (germline): Uncertain significance (1 of 4 stars; one submission).

Conditions:
TLR8-related condition.

gnomAD v4.1: 35 of 1,209,201 alleles (0.0029%); highest among the groups gnomAD compares: East Asian, 0.015%; no homozygotes.

Submission:

PreventionGenetics, part of Exact Sciences
Classification: Uncertain significance for TLR8-related condition. Last evaluated: 2026-07-21. Review status: criteria provided, single submitter. Criteria: ACMG Guidelines, 2015. Collection method: clinical testing. Allele origin: germline.
Comment: The TLR8 c.1469G>A variant is predicted to result in the amino acid substitution p.Arg490His. To our knowledge, this variant has not been reported in the literature. This variant is reported in 0.0012% of alleles in individuals of European (Non-Finnish) descent in gnomAD. At this time, the clinical significance of this variant is uncertain due to the absence of conclusive functional and genetic evidence.

NM_138636.5(TLR8):c.1415G>A (p.Arg472His)

Genes: TLR8 (toll like receptor 8; plus strand), TLR8-AS1 (TLR8 antisense RNA 1; minus strand). Cytogenetic location: Xp22.2.
Variant type: single nucleotide variant.
Coding change: c.1415G>A on transcript NM_138636.5 (MANE Select); coding-DNA position 1415, G replaced by A.
Protein change: p.Arg472His; replaces arginine 472 with histidine.
Molecular consequence: missense variant.
Genome position (GRCh38, 1-based): chrX:12,920,455, G>A. VCF-style: chrX-12920455-G-A. GRCh37 (hg19) VCF-style: chrX-12938574-G-A.
Other names: c.1469G>A, p.Arg490His (NM_016610.4); short protein forms R490H, R472H.
Identifiers: ClinVar variation 4989712 (VCV004989712.1).
Genomic context (GRCh38, chrX:12,920,455, plus strand): 5'-GGAAACGACGCTCAACAGATTTTGAGTTTGACCCACATTCGAACTTTTATCATTTCACCC[G>A]TCCTTTAATAAAGCCACAATGTGCTGCTTATGGAAAAGCCTTAGATTTAAGCCTCAACAG-3'
Protein context (NP_619542.1, residues 462-482): DPHSNFYHFT[Arg472His]PLIKPQCAAY